The following is an entry in ClinVar:

NM_000719.7(CACNA1C):c.2467A>G (p.Met823Val)

Gene: CACNA1C (calcium voltage-gated channel subunit alpha1 C; plus strand). Cytogenetic location: 12p13.33.
Variant type: single nucleotide variant.
Coding change: c.2467A>G on transcript NM_000719.7 (MANE Select); coding-DNA position 2467, A replaced by G.
Protein change: p.Met823Val; replaces methionine 823 with valine.
Molecular consequence: missense variant.
Genome position (GRCh38, 1-based): chr12:2,585,841, A>G. VCF-style: chr12-2585841-A-G. GRCh37 (hg19) VCF-style: chr12-2695007-A-G.
Other names: p.M823V:ATG>GTG; c.2467A>G, p.Met823Val (NM_001129827.2, NM_001129829.2, NM_001129830.3 and 18 more transcripts); c.2458A>G, p.Met820Val (NM_001129844.2); short protein forms M823V, M820V.
Identifiers: ClinVar variation 190650 (VCV000190650.4), dbSNP rs786205752, ClinGen allele CA301372.

ClinVar aggregate classification (germline): Uncertain significance. Review status: criteria provided, multiple submitters, no conflicts (2 of 4 stars). 2 submissions from 2 submitters: Uncertain significance (2). Last evaluated 2025-01-06.

Conditions:
Long QT syndrome (LQTS). Identifiers: MedGen C0023976, MeSH D008133, MONDO:0002442. Disease mechanism: loss of function. Inheritance: Various modes of inheritance.

Allele frequency attached by ClinVar (database versions not stated): gnomAD exomes below 0.00001.
gnomAD v4.1: 1 of 1,608,078 alleles (0.000062%); highest among the groups gnomAD compares: Non-Finnish European, 0.000085%; no homozygotes.

Submissions (2):

Labcorp Genetics (formerly Invitae), Labcorp
Classification: Uncertain significance for Long QT syndrome. Last evaluated: 2025-01-06. Review status: criteria provided, single submitter. Criteria: Invitae Variant Classification Sherloc (09022015). Collection method: clinical testing. Allele origin: germline.
Comment: This sequence change replaces methionine, which is neutral and non-polar, with valine, which is neutral and non-polar, at codon 823 of the CACNA1C protein (p.Met823Val). This variant is present in population databases (rs786205752, gnomAD 0.0009%). This variant has not been reported in the literature in individuals affected with CACNA1C-related conditions. ClinVar contains an entry for this variant (Variation ID: 190650). Invitae Evidence Modeling of protein sequence and biophysical properties (such as structural, functional, and spatial information, amino acid conservation, physicochemical variation, residue mobility, and thermodynamic stability) indicates that this missense variant is not expected to disrupt CACNA1C protein function with a negative predictive value of 95%. In summary, the available evidence is currently insufficient to determine the role of this variant in disease. Therefore, it has been classified as a Variant of Uncertain Significance.

GeneDx
Classification: Uncertain significance. Last evaluated: 2017-10-12. Review status: criteria provided, single submitter. Criteria: GeneDx Variant Classification (06012015). Collection method: clinical testing. Allele origin: germline. Affected: yes.
Comment: p.Met823Val (ATG>GTG): c.2467 A>G in exon 18 of the CACNA1C gene (NM_000719.6). The M823V variant has not been published as a mutation, nor has it been reported as a benign polymorphism to our knowledge. The M823V variant was not observed in approximately 6,000 individuals of European and African American ancestry in the NHLBI Exome Sequencing Project, indicating it is not a common benign variant in these populations. A missense mutations in a nearby residue (P817S) has been reported in association with familial arrhythmia, supporting the functional importance of this region of the protein. In silico analysis is inconsistent in its predictions as to whether or not the variant is damaging to the protein structure/function. However, the M823V variant is a conservative amino acid substitution, which is not likely to impact secondary protein structure as these residues share similar properties. Furthermore, this substitution occurs at a position that is conserved in mammals. Therefore, based on the currently available information, it is unclear whether this variant is a pathogenic mutation or a rare benign variant. The variant is found in ARRHYTHMIA panel(s).